The following is an entry in ClinVar:

NM_144672.4(OTOA):c.1939G>C (p.Gly647Arg)

Gene: OTOA (otoancorin). Cytogenetic location: 16p12.2.
Variant type: single nucleotide variant.
Coding change: c.1939G>C on transcript NM_144672.4 (MANE Select); coding-DNA position 1939, G replaced by C.
Protein change: p.Gly647Arg; replaces glycine 647 with arginine.
Molecular consequence: missense variant.
Genome position (GRCh38, 1-based): chr16:21,726,581, G>C. VCF-style: chr16-21726581-G-C. GRCh37 (hg19) VCF-style: chr16-21737902-G-C.
Other names: c.1702G>C, p.Gly568Arg (NM_001161683.2); c.967G>C, p.Gly323Arg (NM_170664.3); short protein forms G568R, G323R, G647R.
Identifiers: ClinVar variation 1371227 (VCV001371227.8), dbSNP rs1383667189, ClinGen allele CA395061710.

ClinVar aggregate classification (germline): Uncertain significance. Review status: criteria provided, multiple submitters, no conflicts (2 of 4 stars). 3 submissions from 3 submitters: Uncertain significance (3). Last evaluated 2026-04-17.

Conditions:
Autosomal recessive nonsyndromic hearing loss 22. Identifiers: Orphanet 90636, MedGen C1846896, MONDO:0011762, OMIM 607039.
Hearing loss, autosomal recessive 106. Also called: DEAFNESS, AUTOSOMAL RECESSIVE 106. Identifiers: MedGen C4539954, MONDO:0033198, OMIM 617637.

Allele frequency attached by ClinVar (database versions not stated): gnomAD exomes 0.00001.
gnomAD v4.1: 5 of 1,614,000 alleles (0.00031%); highest among the groups gnomAD compares: Middle Eastern, 0.017%; no homozygotes.

Submissions (3):

Laboratory of Dr. Barbara Vona, University Medical Center Göttingen
Classification: Uncertain significance for Hearing loss, autosomal recessive 106. Last evaluated: 2026-04-17. Review status: criteria provided, single submitter. Criteria: ClinGen HL ACMG Specifications v1. Collection method: research. Allele origin: germline. Affected: yes. Observed: 2 variant alleles.
Comment: This variant has been published before (PMID: 26445815) and VUS in ClinVar (VCV001371227.7). This variant is VUS: PM2_Supporting, PP3_Moderate, PP1_Supporting

Labcorp Genetics (formerly Invitae), Labcorp
Classification: Uncertain significance. Last evaluated: 2025-05-22. Review status: criteria provided, single submitter. Criteria: Invitae Variant Classification Sherloc (09022015). Collection method: clinical testing. Allele origin: germline.
Comment: This sequence change replaces glycine, which is neutral and non-polar, with arginine, which is basic and polar, at codon 647 of the OTOA protein (p.Gly647Arg). This variant is present in population databases (no rsID available, gnomAD 0.01%). This missense change has been observed in individual(s) with deafness (PMID: 26445815). ClinVar contains an entry for this variant (Variation ID: 1371227). An algorithm developed to predict the effect of missense changes on protein structure and function (PolyPhen-2) suggests that this variant is likely to be disruptive. In summary, the available evidence is currently insufficient to determine the role of this variant in disease. Therefore, it has been classified as a Variant of Uncertain Significance.

Genetics Research Center, University of Social Welfare and Rehabilitation Sciences
Classification: Uncertain significance for Autosomal recessive nonsyndromic hearing loss 22. Review status: criteria provided, single submitter. Criteria: ACMG Guidelines, 2015. Collection method: research. Allele origin: germline. Affected: yes.
Comment: The variant is present in the gnomAD v2.1.1 dataset at a very low allele frequency (0.0012%) and has been previously reported in individual(s) affected with OTOA-related hearing loss (PMID:26445815). Computational prediction tools yield conflicting evidence for a deleterious effect of this missense variant on protein function.

Literature cited by the submitters: PubMed 26445815 (cited by Labcorp Genetics (formerly Invitae), Labcorp and Genetics Research Center, University of Social Welfare and Rehabilitation Sciences).